The following is an entry in ClinVar:

NM_000487.6(ARSA):c.1307A>G (p.Asp436Gly)

Gene: ARSA (arylsulfatase A; minus strand). Cytogenetic location: 22q13.33.
Variant type: single nucleotide variant.
Coding change: c.1307A>G on transcript NM_000487.6 (MANE Select); coding-DNA position 1307, A replaced by G.
Protein change: p.Asp436Gly; replaces aspartic acid 436 with glycine.
Molecular consequence: missense variant.
Genome position (GRCh38, 1-based): chr22:50,625,368, T>C on the plus strand (A>G on the coding strand, the complement: ARSA is on the minus strand). VCF-style: chr22-50625368-T-C. GRCh37 (hg19) VCF-style: chr22-51063796-T-C.
Other names: c.1307A>G, p.Asp436Gly (NM_001085425.3, NM_001085426.3, NM_001085427.3); c.1049A>G, p.Asp350Gly (NM_001085428.3, NM_001362782.2); short protein forms D350G, D436G.
Identifiers: ClinVar variation 1709211 (VCV001709211.1), dbSNP rs2518322136, ClinGen allele CA412168743.

ClinVar aggregate classification (germline): Uncertain significance (1 of 4 stars; one submission).

Conditions:
Metachromatic leukodystrophy (MLD). Also called: ARSA DEFICIENCY; CEREBROSIDE SULFATASE DEFICIENCY; Cerebral sclerosis diffuse metachromatic form; Arylsulfatase A Deficiency; SULFATIDE LIPIDOSIS; METACHROMATIC LEUKOENCEPHALOPATHY. Identifiers: Orphanet 512, MedGen C0023522, MONDO:0018868, OMIM 250100.

Submission:

MGZ Medical Genetics Center
Classification: Uncertain significance for Metachromatic leukodystrophy. Last evaluated: 2022-02-07. Review status: criteria provided, single submitter. Criteria: ACMG Guidelines, 2015. Collection method: clinical testing. Allele origin: germline. Affected: yes. Observed: 1 variant allele.
Comment: ACMG criteria applied: PM5, PM2_SUP, PP3